The following is an entry in ClinVar:

NM_005751.5(AKAP9):c.4552A>G (p.Ser1518Gly)

Gene: AKAP9 (A-kinase anchoring protein 9; plus strand). Cytogenetic location: 7q21.2.
Variant type: single nucleotide variant.
Coding change: c.4552A>G on transcript NM_005751.5 (MANE Select); coding-DNA position 4552, A replaced by G.
Protein change: p.Ser1518Gly; replaces serine 1518 with glycine.
Molecular consequence: missense variant.
Genome position (GRCh38, 1-based): chr7:92,038,632, A>G. VCF-style: chr7-92038632-A-G. GRCh37 (hg19) VCF-style: chr7-91667946-A-G.
Other names: c.4552A>G, p.Ser1518Gly (NM_147185.3); c.4552A>G (NM_005751.4); short protein forms S1518G.
Identifiers: ClinVar variation 1504131 (VCV001504131.12), dbSNP rs776312514, ClinGen allele CA4336588.

ClinVar aggregate classification (germline): Uncertain significance. Review status: criteria provided, multiple submitters, no conflicts (2 of 4 stars). 4 submissions from 4 submitters: Uncertain significance (4). Last evaluated 2024-10-08.

Conditions:
Long QT syndrome 11 (LQT11). Identifiers: Orphanet 101016, Orphanet 768, MedGen C2678483, MONDO:0012738, OMIM 611820.
Cardiovascular phenotype. Identifiers: MedGen CN230736.
Long QT syndrome (LQTS). Identifiers: MedGen C0023976, MeSH D008133, MONDO:0002442. Disease mechanism: loss of function. Inheritance: Various modes of inheritance.

Allele frequency attached by ClinVar (database versions not stated): ExAC 0.00001; gnomAD exomes 0.00001; TOPMed 0.00001.
gnomAD v4.1: 16 of 1,613,640 alleles (0.00099%); highest among the groups gnomAD compares: Non-Finnish European, 0.0014%; no homozygotes.

Submissions (4):

Blueprint Genetics
Classification: Uncertain significance. Last evaluated: 2024-10-08. Review status: criteria provided, single submitter. Criteria: ACMG Guidelines, 2015. Collection method: clinical testing. Allele origin: germline.

Ambry Genetics
Classification: Uncertain significance for Cardiovascular phenotype. Last evaluated: 2024-09-11. Review status: criteria provided, single submitter. Criteria: Ambry Variant Classification Scheme 2023. Collection method: clinical testing. Allele origin: germline.
Comment: The p.S1518G variant (also known as c.4552A>G), located in coding exon 17 of the AKAP9 gene, results from an A to G substitution at nucleotide position 4552. The serine at codon 1518 is replaced by glycine, an amino acid with similar properties. This amino acid position is conserved. In addition, this alteration is predicted to be tolerated by in silico analysis. Based on the available evidence, the clinical significance of this variant remains unclear.

Fulgent Genetics
Classification: Uncertain significance for Long QT syndrome 11. Last evaluated: 2021-08-11. Review status: criteria provided, single submitter. Criteria: ACMG Guidelines, 2015. Collection method: clinical testing. Allele origin: unknown.

Labcorp Genetics (formerly Invitae), Labcorp
Classification: Uncertain significance for Long QT syndrome. Last evaluated: 2020-12-01. Review status: criteria provided, single submitter. Criteria: Invitae Variant Classification Sherloc (09022015). Collection method: clinical testing. Allele origin: germline.
Comment: In summary, the available evidence is currently insufficient to determine the role of this variant in disease. Therefore, it has been classified as a Variant of Uncertain Significance. Algorithms developed to predict the effect of missense changes on protein structure and function are either unavailable or do not agree on the potential impact of this missense change (SIFT: "Tolerated"; PolyPhen-2: "Possibly Damaging"; Align-GVGD: "Class C0"). This variant has not been reported in the literature in individuals with AKAP9-related conditions. This variant is present in population databases (rs776312514, ExAC 0.002%). This sequence change replaces serine with glycine at codon 1518 of the AKAP9 protein (p.Ser1518Gly). The serine residue is moderately conserved and there is a small physicochemical difference between serine and glycine.